The following is an entry in ClinVar:

NM_001148.6(ANK2):c.6917G>T (p.Ser2306Ile)

Genes: ANK2 (ankyrin 2; plus strand), LOC126807137 (CDK7 strongly-dependent group 2 enhancer GRCh37_chr4:114276560-114277759; plus strand). Cytogenetic location: 4q26.
Variant type: single nucleotide variant.
Coding change: c.6917G>T on transcript NM_001148.6 (MANE Select); coding-DNA position 6917, G replaced by T.
Protein change: p.Ser2306Ile; replaces serine 2306 with isoleucine.
Molecular consequence: missense variant. On other transcripts: intron variant (68).
Genome position (GRCh38, 1-based): chr4:113,355,535, G>T. VCF-style: chr4-113355535-G-T. GRCh37 (hg19) VCF-style: chr4-114276691-G-T.
Other names: c.6683G>T, p.Ser2228Ile (NM_001386142.1); c.3317G>T, p.Ser1106Ile (NM_001386166.1); c.7058G>T, p.Ser2353Ile (NM_001386174.1); c.7034G>T, p.Ser2345Ile (NM_001386175.1); c.4411+5286G>T (NM_001386186.2, NM_001386148.2); c.4213+5286G>T (NM_001354269.3); c.4291+5286G>T (NM_001386187.2); c.4252+5286G>T (NM_001386147.1); and 35 more; short protein forms S1106I, S2228I, S2306I, S2345I, S2353I.
Identifiers: ClinVar variation 3903051 (VCV003903051.1).

ClinVar aggregate classification (germline): Uncertain significance (1 of 4 stars; one submission).

gnomAD v4.1: 1 of 1,614,124 alleles (0.000062%); highest among the groups gnomAD compares: Non-Finnish European, 0.000085%; no homozygotes.

Submission:

GeneDx
Classification: Uncertain significance. Last evaluated: 2024-12-12. Review status: criteria provided, single submitter. Criteria: GeneDx Variant Classification Process June 2021. Collection method: clinical testing. Allele origin: germline. Affected: yes.
Comment: Not observed at significant frequency in large population cohorts (gnomAD); In silico analysis indicates that this missense variant does not alter protein structure/function; Has not been previously published as pathogenic or benign to our knowledge